The following is an entry in ClinVar:

NM_000535.7(PMS2):c.7C>A (p.Arg3=)

Gene: PMS2 (PMS1 homolog 2, mismatch repair system component; minus strand). Cytogenetic location: 7p22.1.
Variant type: single nucleotide variant.
Coding change: c.7C>A on transcript NM_000535.7 (MANE Select); coding-DNA position 7, C replaced by A.
Protein change: p.Arg3=; no amino-acid change (arginine 3 retained).
Molecular consequence: synonymous variant. On other transcripts: 5 prime UTR variant (11), non-coding transcript variant (1).
Genome position (GRCh38, 1-based): chr7:6,009,013, G>T on the plus strand (C>A on the coding strand, the complement: PMS2 is on the minus strand). VCF-style: chr7-6009013-G-T. GRCh37 (hg19) VCF-style: chr7-6048644-G-T.
Other names: c.-394C>A (NM_001322003.2, NM_001322013.2); c.-259C>A (NM_001322004.2, NM_001322010.2); c.-589C>A (NM_001322005.2); c.7C>A, p.Arg3= (NM_001322006.2, NM_001322014.2); c.-209C>A (NM_001322007.2); c.-69C>A (NM_001322008.2); c.-584C>A (NM_001322009.2); c.-878C>A (NM_001322011.2); and 2 more.
Identifiers: ClinVar variation 434021 (VCV000434021.8), dbSNP rs763939668, ClinGen allele CA453650906.

ClinVar aggregate classification (germline): Benign/Likely benign. Review status: criteria provided, multiple submitters, no conflicts (2 of 4 stars). 4 submissions from 4 submitters: Benign (1); Likely benign (2). 1 of the submissions does not count toward it. Last evaluated 2025-01-23.

Conditions:
Hereditary cancer-predisposing syndrome. Also called: Hereditary Cancer Syndrome; Hereditary neoplastic syndrome; Neoplastic Syndromes, Hereditary; Tumor predisposition. Identifiers: Orphanet 140162, MedGen C0027672, MeSH D009386, MONDO:0015356.
Lynch syndrome 4 (LYNCH4). Also called: Colorectal cancer, hereditary nonpolyposis, type 4; Hereditary non-polyposis colorectal cancer, type 4. Identifiers: Orphanet 144, MedGen C1838333, MONDO:0013699, OMIM 614337. Disease mechanism: loss of function.
Endometrial carcinoma. Also called: Endometrial carcinoma, somatic. Identifiers: MedGen C0476089, MONDO:0002447, OMIM 608089, HP:0012114.

Submissions (4):

Myriad Genetics, Inc.
Classification: Benign for Lynch syndrome 4. Last evaluated: 2025-01-23. Review status: criteria provided, single submitter. Criteria: Myriad Autosomal Dominant, Autosomal Recessive and X-Linked Classification Criteria (2023). Collection method: clinical testing. Allele origin: unknown.
Comment: This variant is considered benign. This variant is a silent/synonymous amino acid change and it is not expected to impact splicing.

Women's Health and Genetics/Laboratory Corporation of America, LabCorp
Classification: Likely benign. Last evaluated: 2019-08-29. Review status: criteria provided, single submitter. Criteria: LabCorp Variant Classification Summary - May 2015. Collection method: clinical testing. Allele origin: germline.

Ambry Genetics
Classification: Likely benign for Hereditary cancer-predisposing syndrome. Last evaluated: 2019-03-15. Review status: criteria provided, single submitter. Criteria: Ambry Variant Classification Scheme 2023. Collection method: clinical testing. Allele origin: germline.

Department of Pathology and Laboratory Medicine, Sinai Health System
Classification: Likely benign for Endometrial carcinoma. Review status: no assertion criteria provided. Collection method: clinical testing. Allele origin: unknown. Affected: yes. Study: The Canadian Open Genetics Repository (COGR). Not counted in ClinVar's aggregate classification.
Comment: PMS2, Exon01, c.7C>A, p.Arg3Arg, (Alias: None), Variant of Unknown Significance (ACMG 3)rnThe PMS2 c.7C>A (p.Arg3Arg) variant was not identified in the literature nor was it identified in the GeneInsight, HGMD, COSMIC, Mut, MMRUV, InSiGHT Colon Cancer or Zheilang Colon Cancer databases. This variant was not listed in the dbSNP database and no frequency information was provided, thus the prevalence of this variant in the general population could not be determined. The p.Arg3Arg variant is not expected to have clinical significance because it does not result in a change of amino acid and is not located in a known consensus splice site; however it cannot be decisively concluded as benign. In summary, based on the above information, the clinical significance of this variant cannot be determined with certainty at this time. This variant is classified as a variant of unknown significance (likely benign).